The following is an entry in ClinVar:

NM_000352.6(ABCC8):c.46C>T (p.Arg16Trp)

Gene: ABCC8 (ATP binding cassette subfamily C member 8; minus strand). Cytogenetic location: 11p15.1.
Variant type: single nucleotide variant.
Coding change: c.46C>T on transcript NM_000352.6 (MANE Select); coding-DNA position 46, C replaced by T.
Protein change: p.Arg16Trp; replaces arginine 16 with tryptophan.
Molecular consequence: missense variant. On other transcripts: non-coding transcript variant (1).
Genome position (GRCh38, 1-based): chr11:17,476,731, G>A on the plus strand (C>T on the coding strand, the complement: ABCC8 is on the minus strand). VCF-style: chr11-17476731-G-A. GRCh37 (hg19) VCF-style: chr11-17498278-G-A.
Other names: c.46C>T, p.Arg16Trp (NM_001287174.3, NM_001351295.2, NM_001351296.2 and 1 more transcripts); short protein forms R16W.
Identifiers: ClinVar variation 1338539 (VCV001338539.5), dbSNP rs1591935006, ClinGen allele CA379790172.
Genomic context (GRCh38, chr11:17,476,731, plus strand): 5'-GCGGCACCACGTTGAGCGCGTCCACAAAGCAGCCGTTGTTGAGGACCCCCTGGTCCACCC[G>A]GTAGGCGGCCGAGTGGTTCTCGCTGCCGCAGAAGGCCAGGGGCATGGCGGCGCGGGCGCG-3'
Protein context (NP_000343.2, residues 6-26): CGSENHSAAY[Arg16Trp]VDQGVLNNGC

ClinVar aggregate classification (germline): Uncertain significance. Review status: criteria provided, multiple submitters, no conflicts (2 of 4 stars). 2 submissions from 2 submitters: Uncertain significance (2). Last evaluated 2023-06-08.

Submissions (2):

Women's Health and Genetics/Laboratory Corporation of America, LabCorp
Classification: Uncertain significance. Last evaluated: 2023-06-08. Review status: criteria provided, single submitter. Criteria: LabCorp Variant Classification Summary - May 2015. Collection method: clinical testing. Allele origin: germline.
Comment: Variant summary: ABCC8 c.46C>T (p.Arg16Trp) results in a non-conservative amino acid change in the encoded protein sequence. Four of five in-silico tools predict a damaging effect of the variant on protein function. The variant was absent in 229974 control chromosomes. The available data on variant occurrences in the general population are insufficient to allow any conclusion about variant significance. To our knowledge, no occurrence of c.46C>T in individuals affected with ABCC8-related condiitons and no experimental evidence demonstrating its impact on protein function have been reported. One clinical diagnostic laboratory has submitted clinical-significance assessments for this variant to ClinVar after 2014 without evidence for independent evaluation and classified the variant as uncertain significance. Based on the evidence outlined above, the variant was classified as uncertain significance.

Genetic Services Laboratory, University of Chicago
Classification: Uncertain significance. Last evaluated: 2019-08-08. Review status: criteria provided, single submitter. Criteria: ACMG Guidelines, 2015. Collection method: clinical testing. Allele origin: germline. Affected: no.